The following is an entry in ClinVar:

ClinVar aggregate classification (germline): Likely pathogenic. Review status: criteria provided, multiple submitters, no conflicts (2 of 4 stars). 2 submissions from 2 submitters: Likely pathogenic (2). Last evaluated 2025-11-12.

Conditions:
Alzheimer disease type 1 (AD1). Also called: ALZHEIMER DISEASE, FAMILIAL, 1; ALZHEIMER DISEASE, FAMILIAL, 1, AUTOSOMAL RECESSIVE. Identifiers: MedGen C1863052, MONDO:0007088, OMIM 104300.
Hereditary hemochromatosis (HFE). Identifiers: MedGen C0392514, MONDO:0006507. Disease mechanism: loss of function.

Allele frequency attached by ClinVar (database versions not stated): gnomAD exomes below 0.00001 and 0.00001; TOPMed below 0.00001; ExAC 0.00001.
gnomAD v4.1: 5 of 1,611,966 alleles (0.00031%); highest among the groups gnomAD compares: Admixed American, 0.0017%; no homozygotes.

Submissions (2):

Labcorp Genetics (formerly Invitae), Labcorp
Classification: Likely pathogenic for Hereditary hemochromatosis. Last evaluated: 2025-11-12. Review status: criteria provided, single submitter. Criteria: Invitae Variant Classification Sherloc (09022015). Collection method: clinical testing. Allele origin: germline.
Comment: This sequence change affects a donor splice site in intron 1 of the HFE gene. It is expected to disrupt RNA splicing. Variants that disrupt the donor or acceptor splice site typically lead to a loss of protein function (PMID: 16199547), and loss-of-function variants in HFE are known to be pathogenic (PMID: 27518069). This variant is present in population databases (rs776994377, gnomAD 0.003%). This variant has not been reported in the literature in individuals affected with HFE-related conditions. ClinVar contains an entry for this variant (Variation ID: 1685344). Algorithms developed to predict the effect of sequence changes on RNA splicing suggest that this variant may disrupt the consensus splice site. In summary, the currently available evidence indicates that the variant is pathogenic, but additional data are needed to prove that conclusively. Therefore, this variant has been classified as Likely Pathogenic.

Mendelics
Classification: Likely pathogenic for Alzheimer disease type 1. Last evaluated: 2022-05-04. Review status: criteria provided, single submitter. Criteria: Mendelics Assertion Criteria 2019. Collection method: clinical testing. Allele origin: germline.

Literature cited by the submitters: PubMed 16199547 (cited by Labcorp Genetics (formerly Invitae), Labcorp); PubMed 27518069 (cited by Labcorp Genetics (formerly Invitae), Labcorp).

NM_000410.4(HFE):c.76+2T>C

Genes: HFE (homeostatic iron regulator; plus strand), HFE-AS1 (HFE antisense RNA 1; minus strand). Cytogenetic location: 6p22.2.
Variant type: single nucleotide variant.
Coding change: c.76+2T>C on transcript NM_000410.4 (MANE Select); the canonical splice donor site of the intron after coding-DNA position 76, T replaced by C.
Molecular consequence: splice donor variant. On other transcripts: non-coding transcript variant (1).
Genome position (GRCh38, 1-based): chr6:26,087,518, T>C. VCF-style: chr6-26087518-T-C. GRCh37 (hg19) VCF-style: chr6-26087746-T-C.
Other names: c.76+2T>C (NM_001406751.1, NM_001384164.1, NM_001300749.3 and 9 more transcripts).
Identifiers: ClinVar variation 1685344 (VCV001685344.5), dbSNP rs776994377, ClinGen allele CA3666573.